The following is an entry in ClinVar:

ClinVar aggregate classification (germline): Pathogenic. Review status: criteria provided, multiple submitters, no conflicts (2 of 4 stars). 4 submissions from 4 submitters: Pathogenic (4). Last evaluated 2024-12-16.

Conditions:
Coffin-Siris syndrome 1 (CSS1). Also called: Mental retardation, autosomal dominant 12; ARID1B-Related Coffin-Siris Syndrome. Identifiers: Orphanet 1465, MedGen C3281201, MONDO:0007617, OMIM 135900. Disease mechanism: gain of function.

Submissions (4):

GeneDx
Classification: Pathogenic. Last evaluated: 2024-12-16. Review status: criteria provided, single submitter. Criteria: GeneDx Variant Classification Process June 2021. Collection method: clinical testing. Allele origin: germline. Affected: yes.
Comment: Frameshift variant predicted to result in protein truncation or nonsense mediated decay in a gene for which loss of function is a known mechanism of disease; Not observed at significant frequency in large population cohorts (gnomAD); This variant is associated with the following publications: (PMID: 33057194, 35982159, 34490615, 31530938, 33768696, 37500730, 37795942, 32161024)

Victorian Clinical Genetics Services, Murdoch Childrens Research Institute
Classification: Pathogenic for Coffin-Siris syndrome 1. Last evaluated: 2023-07-17. Review status: criteria provided, single submitter. Criteria: ACMG Guidelines, 2015. Collection method: clinical testing. Allele origin: germline. Inheritance: Autosomal dominant inheritance. Affected: yes.
Comment: Based on the classification scheme VCGS_Germline_v1.3.4, this variant is classified as Pathogenic. Following criteria are met: 0102 - Loss of function is a known mechanism of disease in this gene and is associated with Coffin-Siris syndrome 1 (MIM#135900). (I) 0107 - This gene is associated with autosomal dominant disease. (I) 0115 - Variants in this gene are known to have variable expressivity (PMID: 33768696). (I) 0201 - Variant is predicted to cause nonsense-mediated decay (NMD) and loss of protein (premature termination codon is located at least 54 nucleotides upstream of the final exon-exon junction). (SP) 0251 - This variant is heterozygous. (I) 0301 - Variant is absent from gnomAD (both v2 and v3). (SP) 0701 - Other NMD-predicted variants comparable to the one identified in this case have very strong previous evidence for pathogenicity. These variants have been reported many times as pathogenic (DECIPHER). (SP) 0801 - This variant has strong previous evidence of pathogenicity in unrelated individuals. This variant has been reported several times as pathogenic, and observed in at least two individuals with Coffin-Siris syndrome as de novo (ClinVar, PMID: 31530938, PMID: 32161024). (SP) Legend: (SP) - Supporting pathogenic, (I) - Information, (SB) - Supporting benign

Genome-Nilou Lab
Classification: Pathogenic for Coffin-Siris syndrome 1. Last evaluated: 2021-07-15. Review status: criteria provided, single submitter. Criteria: ACMG Guidelines, 2015. Collection method: clinical testing. Allele origin: germline. Affected: no.

CeGaT Center for Human Genetics Tuebingen
Classification: Pathogenic. Last evaluated: 2020-11-01. Review status: criteria provided, single submitter. Criteria: CeGaT Center For Human Genetics Tuebingen Variant Classification Criteria Version 2. Collection method: clinical testing. Allele origin: germline. Affected: yes. Observed: 1 variant allele.

Literature cited by the submitters: PubMed 31530938 (cited by Victorian Clinical Genetics Services, Murdoch Childrens Research Institute); PubMed 32161024 (cited by Victorian Clinical Genetics Services, Murdoch Childrens Research Institute); PubMed 33768696 (cited by Victorian Clinical Genetics Services, Murdoch Childrens Research Institute).

NM_001374828.1(ARID1B):c.2411dup (p.Ser806fs)

Gene: ARID1B (AT-rich interaction domain 1B; plus strand). Cytogenetic location: 6q25.3.
Variant type: Duplication.
Coding change: c.2411dup on transcript NM_001374828.1 (MANE Select); coding-DNA position 2411, one base duplicated (G; older notation c.2411dupG).
Protein change: p.Ser806fs; shifts the reading frame from serine 806.
Molecular consequence: frameshift variant. On other transcripts: 5 prime UTR variant (1).
Genome position (GRCh38, 1-based): chr6:157,084,825, G duplicated; the last of 6 consecutive G bases (chr6:157,084,820-157,084,825); duplicating any one gives the same sequence. VCF-style (leftmost placement, unchanged base first): chr6-157084819-C-CG. GRCh37 (hg19) VCF-style: chr6-157405953-C-CG.
Other names: c.2201dup (NM_020732.3); c.-89dup (NM_001363725.2); c.2450dup, p.Ser819fs (NM_001371656.1, NM_001374820.1); c.2411dup, p.Ser806fs (NM_017519.3); c.2201dupG (NM_020732.3); short protein forms S806fs, S819fs.
Identifiers: ClinVar variation 419490 (VCV000419490.44), dbSNP rs1554294674, ClinGen allele CA16618263.